The following is an entry in ClinVar:

NM_000551.4(VHL):c.237C>G (p.Arg79=)

Gene: VHL (von Hippel-Lindau tumor suppressor; plus strand). Cytogenetic location: 3p25.3.
Variant type: single nucleotide variant.
Coding change: c.237C>G on transcript NM_000551.4 (MANE Select); coding-DNA position 237, C replaced by G.
Protein change: p.Arg79=; no amino-acid change (arginine 79 retained).
Molecular consequence: synonymous variant.
Genome position (GRCh38, 1-based): chr3:10,142,084, C>G. VCF-style: chr3-10142084-C-G. GRCh37 (hg19) VCF-style: chr3-10183768-C-G.
Other names: c.237C>G, p.Arg79= (NM_001354723.2, NM_198156.3).
Identifiers: ClinVar variation 767575 (VCV000767575.16), dbSNP rs760899424, ClinGen allele CA70046079.

ClinVar aggregate classification (germline): Benign/Likely benign. Review status: criteria provided, multiple submitters, no conflicts (2 of 4 stars). 3 submissions from 3 submitters: Benign (1); Likely benign (2). Last evaluated 2025-11-19.

Conditions:
Von Hippel-Lindau syndrome (VHLS). Also called: Von Hippel-Lindau; von Hippel–Lindau syndrome; VHL syndrome. Identifiers: Orphanet 892, MedGen C0019562, MONDO:0008667, OMIM 193300. Disease mechanism: loss of function.
Chuvash polycythemia. Also called: POLYCYTHEMIA, VHL-DEPENDENT. Identifiers: Orphanet 238557, MedGen C1837915, MONDO:0009892, OMIM 263400.
Hereditary cancer-predisposing syndrome. Also called: Neoplastic Syndromes, Hereditary; Hereditary neoplastic syndrome; Tumor predisposition; Hereditary Cancer Syndrome. Identifiers: Orphanet 140162, MedGen C0027672, MeSH D009386, MONDO:0015356.

Allele frequency attached by ClinVar (database versions not stated): TOPMed below 0.00001.

Submissions (3):

Labcorp Genetics (formerly Invitae), Labcorp
Classification: Likely benign for Von Hippel-Lindau syndrome; Chuvash polycythemia. Last evaluated: 2025-11-19. Review status: criteria provided, single submitter. Criteria: Invitae Variant Classification Sherloc (09022015). Collection method: clinical testing. Allele origin: germline.

Myriad Genetics, Inc.
Classification: Benign for Von Hippel-Lindau syndrome. Last evaluated: 2025-06-10. Review status: criteria provided, single submitter. Criteria: Myriad Autosomal Dominant, Autosomal Recessive and X-Linked Classification Criteria (2023). Collection method: clinical testing. Allele origin: unknown.
Comment: This variant is considered benign. This variant is a silent/synonymous amino acid change and it is not expected to impact splicing.

Ambry Genetics
Classification: Likely benign for Hereditary cancer-predisposing syndrome. Last evaluated: 2019-08-08. Review status: criteria provided, single submitter. Criteria: Ambry Variant Classification Scheme 2023. Collection method: clinical testing. Allele origin: germline.